The following is an entry in ClinVar:

ClinVar aggregate classification (germline): Likely pathogenic (1 of 4 stars; one submission).

Conditions:
Intellectual disability, autosomal dominant 14 (CSS2). Also called: COFFIN-SIRIS SYNDROME 2. Identifiers: Orphanet 1465, MedGen C3553247, MONDO:0013819, OMIM 614607.

Submission:

Pittsburgh Clinical Genomics Laboratory, University of Pittsburgh Medical Center
Classification: Likely pathogenic for Intellectual disability, autosomal dominant 14. Last evaluated: 2023-06-19. Review status: criteria provided, single submitter. Criteria: ACMG Guidelines, 2015. Collection method: clinical testing. Allele origin: germline. Inheritance: Autosomal dominant inheritance. Affected: yes.
Comment: This sequence variant is a single nucleotide substitution (C>T) at coding position 88 in the ARID1A gene which changes the Gln30 codon into an early termition sigl. As it occurs in exon 1 of 20, this variant is predicted to generate a non-functiol allele through either the expression of a truncated protein or a loss of ARID1A expression due to nonsense-mediated decay. This novel variant is absent from ClinVar and the gnomAD population database (0/~30000 alleles). Haploinsufficiency in ARID1A is a known mechanism of disease. Based upon the evidence, we consider this variant to be likely pathogenic. ACMG Criteria: PM2, PVS1

NM_006015.6(ARID1A):c.88C>T (p.Gln30Ter)

Gene: ARID1A (AT-rich interaction domain 1A; plus strand). Cytogenetic location: 1p36.11.
Variant type: single nucleotide variant.
Coding change: c.88C>T on transcript NM_006015.6 (MANE Select); coding-DNA position 88, C replaced by T.
Protein change: p.Gln30Ter; replaces glutamine 30 with a stop codon.
Molecular consequence: nonsense.
Genome position (GRCh38, 1-based): chr1:26,696,491, C>T. VCF-style: chr1-26696491-C-T. GRCh37 (hg19) VCF-style: chr1-27022982-C-T.
Other names: c.88C>T, p.Gln30Ter (NM_139135.4); short protein forms Q30*.
Identifiers: ClinVar variation 3376314 (VCV003376314.1).